The following is an entry in ClinVar:

ClinVar aggregate classification (germline): Pathogenic (1 of 4 stars; one submission).

Conditions:
Developmental and epileptic encephalopathy, 9 (DEE9). Also called: Early infantile epileptic encephalopathy 9; JUBERG-HELLMAN SYNDROME; PCDH19-Related X-Linked Female-Limited Epilepsy with Mental Retardation; EPILEPSY, FEMALE-RESTRICTED, WITH MENTAL RETARDATION. Identifiers: Orphanet 101039, Orphanet 2076, MedGen C1848137, MONDO:0010246, OMIM 300088. Disease mechanism: loss of function.

Submission:

Labcorp Genetics (formerly Invitae), Labcorp
Classification: Pathogenic for Developmental and epileptic encephalopathy, 9. Last evaluated: 2022-08-30. Review status: criteria provided, single submitter. Criteria: Invitae Variant Classification Sherloc (09022015). Collection method: clinical testing. Allele origin: germline.
Comment: This premature translational stop signal has been observed in individual(s) with clinical features of developmental and epileptic encephalopathy (PMID: 29377098). For these reasons, this variant has been classified as Pathogenic. This variant is not present in population databases (gnomAD no frequency). This sequence change creates a premature translational stop signal (p.Tyr243*) in the PCDH19 gene. It is expected to result in an absent or disrupted protein product. Loss-of-function variants in PCDH19 are known to be pathogenic (PMID: 21053371).

Literature cited by the submitters: PubMed 29377098; PubMed 21053371.

NM_001184880.2(PCDH19):c.729C>G (p.Tyr243Ter)

Gene: PCDH19 (protocadherin 19; minus strand). Cytogenetic location: Xq22.1.
Variant type: single nucleotide variant.
Coding change: c.729C>G on transcript NM_001184880.2 (MANE Select); coding-DNA position 729, C replaced by G.
Protein change: p.Tyr243Ter; replaces tyrosine 243 with a stop codon.
Molecular consequence: nonsense.
Genome position (GRCh38, 1-based): chrX:100,407,869, G>C on the plus strand (C>G on the coding strand, the complement: PCDH19 is on the minus strand). VCF-style: chrX-100407869-G-C. GRCh37 (hg19) VCF-style: chrX-99662867-G-C.
Other names: c.729C>G, p.Tyr243Ter (NM_001105243.2, NM_020766.3); short protein forms Y243*.
Identifiers: ClinVar variation 2027985 (VCV002027985.4), dbSNP rs1166554052, ClinGen allele CA414008416.